The following is an entry in ClinVar:

ClinVar aggregate classification (germline): Uncertain significance (1 of 4 stars; one submission).

Conditions:
Alstrom syndrome (ALMS). Identifiers: Orphanet 64, MedGen C0268425, MONDO:0008763, OMIM 203800.

gnomAD v4.1: 1 of 1,614,042 alleles (0.000062%); highest among the groups gnomAD compares: Non-Finnish European, 0.000085%; no homozygotes.

Submission:

Labcorp Genetics (formerly Invitae), Labcorp
Classification: Uncertain significance for Alstrom syndrome. Last evaluated: 2025-11-14. Review status: criteria provided, single submitter. Criteria: Invitae Variant Classification Sherloc (09022015). Collection method: clinical testing. Allele origin: germline.
Comment: This sequence change replaces tyrosine, which is neutral and polar, with phenylalanine, which is neutral and non-polar, at codon 2914 of the ALMS1 protein (p.Tyr2914Phe). This variant is not present in population databases (gnomAD no frequency). This variant has not been reported in the literature in individuals affected with ALMS1-related conditions. ClinVar contains an entry for this variant (Variation ID: 2108618). Experimental studies and prediction algorithms are not available or were not evaluated, and the functional significance of this variant is currently unknown. In summary, the available evidence is currently insufficient to determine the role of this variant in disease. Therefore, it has been classified as a Variant of Uncertain Significance.

NM_001378454.1(ALMS1):c.8738A>T (p.Tyr2913Phe)

Gene: ALMS1 (ALMS1 centrosome and basal body associated protein; plus strand). Cytogenetic location: 2p13.1.
Variant type: single nucleotide variant.
Coding change: c.8738A>T on transcript NM_001378454.1 (MANE Select); coding-DNA position 8738, A replaced by T.
Protein change: p.Tyr2913Phe; replaces tyrosine 2913 with phenylalanine.
Molecular consequence: missense variant.
Genome position (GRCh38, 1-based): chr2:73,490,697, A>T. VCF-style: chr2-73490697-A-T. GRCh37 (hg19) VCF-style: chr2-73717824-A-T.
Other names: c.8741A>T, p.Tyr2914Phe (NM_015120.4); short protein forms Y2913F, Y2914F.
Identifiers: ClinVar variation 2108618 (VCV002108618.4), dbSNP rs1238337089, ClinGen allele CA347270332.